The following is an entry in ClinVar:

NM_004304.5(ALK):c.2593T>C (p.Ser865Pro)

Gene: ALK (ALK receptor tyrosine kinase; minus strand). Cytogenetic location: 2p23.2.
Variant type: single nucleotide variant.
Coding change: c.2593T>C on transcript NM_004304.5 (MANE Select); coding-DNA position 2593, T replaced by C.
Protein change: p.Ser865Pro; replaces serine 865 with proline.
Molecular consequence: missense variant.
Genome position (GRCh38, 1-based): chr2:29,232,343, A>G on the plus strand (T>C on the coding strand, the complement: ALK is on the minus strand). VCF-style: chr2-29232343-A-G. GRCh37 (hg19) VCF-style: chr2-29455209-A-G.
Other names: short protein forms S865P.
Identifiers: ClinVar variation 2586670 (VCV002586670.4), dbSNP rs1664236706, ClinGen allele CA346471663.
Genomic context (GRCh38, chr2:29,232,343, plus strand): 5'-GGCACGCTTGCAGCGCTTTACCTGCGGCTCCGGAATTGCCGTTTAGCCCTAGAACCGAGG[A>G]GTTATTCTCCAGTCTCTCTGGGTGGAACGTGTCTGTCTTGGCCCCGTAGGCCCTGCCACC-3'
Protein context (NP_004295.2, residues 855-875): TFHPERLENN[Ser865Pro]SVLGLNGNSG

ClinVar aggregate classification (germline): Uncertain significance. Review status: criteria provided, multiple submitters, no conflicts (2 of 4 stars). 2 submissions from 2 submitters: Uncertain significance (2). Last evaluated 2024-03-07.

Conditions:
Neuroblastoma, susceptibility to, 3. Also called: ALK-Related Neuroblastic Tumor Susceptibility. Identifiers: Orphanet 635, MedGen C2751681, MONDO:0013083, OMIM 613014.
Hereditary cancer-predisposing syndrome. Also called: Tumor predisposition; Neoplastic Syndromes, Hereditary; Hereditary Cancer Syndrome; Hereditary neoplastic syndrome. Identifiers: Orphanet 140162, MedGen C0027672, MeSH D009386, MONDO:0015356.

Allele frequency attached by ClinVar (database versions not stated): gnomAD exomes below 0.00001.
gnomAD v4.1: 1 of 1,614,184 alleles (0.000062%); highest among the groups gnomAD compares: East Asian, 0.0022%; no homozygotes.

Submissions (2):

Labcorp Genetics (formerly Invitae), Labcorp
Classification: Uncertain significance for Neuroblastoma, susceptibility to, 3. Last evaluated: 2024-03-07. Review status: criteria provided, single submitter. Criteria: Invitae Variant Classification Sherloc (09022015). Collection method: clinical testing. Allele origin: germline.
Comment: This sequence change replaces serine, which is neutral and polar, with proline, which is neutral and non-polar, at codon 865 of the ALK protein (p.Ser865Pro). This variant is not present in population databases (gnomAD no frequency). This variant has not been reported in the literature in individuals affected with ALK-related conditions. ClinVar contains an entry for this variant (Variation ID: 2586670). An algorithm developed to predict the effect of missense changes on protein structure and function (PolyPhen-2) suggests that this variant is likely to be disruptive. In summary, the available evidence is currently insufficient to determine the role of this variant in disease. Therefore, it has been classified as a Variant of Uncertain Significance.

Ambry Genetics
Classification: Uncertain significance for Hereditary cancer-predisposing syndrome. Last evaluated: 2023-06-24. Review status: criteria provided, single submitter. Criteria: Ambry Variant Classification Scheme 2023. Collection method: clinical testing. Allele origin: germline.
Comment: The p.S865P variant (also known as c.2593T>C), located in coding exon 15 of the ALK gene, results from a T to C substitution at nucleotide position 2593. The serine at codon 865 is replaced by proline, an amino acid with similar properties. This amino acid position is conserved. In addition, the in silico prediction for this alteration is inconclusive. Since supporting evidence is limited at this time, the clinical significance of this alteration remains unclear.